The following is an entry in ClinVar:

NM_003737.4(DCHS1):c.7564A>G (p.Ile2522Val)

Gene: DCHS1 (dachsous cadherin-related 1; minus strand). Cytogenetic location: 11p15.4.
Variant type: single nucleotide variant.
Coding change: c.7564A>G on transcript NM_003737.4 (MANE Select); coding-DNA position 7564, A replaced by G.
Protein change: p.Ile2522Val; replaces isoleucine 2522 with valine.
Molecular consequence: missense variant.
Genome position (GRCh38, 1-based): chr11:6,624,112, T>C on the plus strand (A>G on the coding strand, the complement: DCHS1 is on the minus strand). VCF-style: chr11-6624112-T-C. GRCh37 (hg19) VCF-style: chr11-6645343-T-C.
Other names: short protein forms I2522V.
Identifiers: ClinVar variation 2823818 (VCV002823818.3), dbSNP rs1346195935, ClinGen allele CA379482827.
Genomic context (GRCh38, chr11:6,624,112, plus strand): 5'-CCCCAGCCTCAGCCAGCCTGGGTTCCAGCTGGAAGACTCGGCCCCAGTTGCCACTGATGA[T>C]GCTGTAGTCCACAGCGGCATGGCTGCGGCTTCCATCAGCATCTGTAGCCTCCAGGGTGAG-3'
Protein context (NP_003728.1, residues 2512-2532): SRSHAAVDYS[Ile2522Val]ISGNWGRVFQ

ClinVar aggregate classification (germline): Uncertain significance (1 of 4 stars; one submission).

Allele frequency attached by ClinVar (database versions not stated): gnomAD exomes below 0.00001.
gnomAD v4.1: 1 of 1,612,056 alleles (0.000062%); highest among the groups gnomAD compares: Non-Finnish European, 0.000085%; no homozygotes.

Submission:

Labcorp Genetics (formerly Invitae), Labcorp
Classification: Uncertain significance. Last evaluated: 2023-11-25. Review status: criteria provided, single submitter. Criteria: Invitae Variant Classification Sherloc (09022015). Collection method: clinical testing. Allele origin: germline.
Comment: This sequence change replaces isoleucine, which is neutral and non-polar, with valine, which is neutral and non-polar, at codon 2522 of the DCHS1 protein (p.Ile2522Val). This variant is present in population databases (no rsID available, gnomAD 0.0009%). This variant has not been reported in the literature in individuals affected with DCHS1-related conditions. Advanced modeling of protein sequence and biophysical properties (such as structural, functional, and spatial information, amino acid conservation, physicochemical variation, residue mobility, and thermodynamic stability) performed at Invitae indicates that this missense variant is not expected to disrupt DCHS1 protein function with a negative predictive value of 80%. In summary, the available evidence is currently insufficient to determine the role of this variant in disease. Therefore, it has been classified as a Variant of Uncertain Significance.